The following is an entry in ClinVar:

NM_001127464.1:c.2894A>C

Gene: ZNF469 (zinc finger protein 469; plus strand).
Variant type: single nucleotide variant.
Identifiers: ClinVar variation 4209197 (VCV004209197.1).

ClinVar aggregate classification (germline): Uncertain significance (1 of 4 stars; one submission).

Conditions:
Cardiovascular phenotype. Identifiers: MedGen CN230736.

Submission:

Ambry Genetics
Classification: Uncertain significance for Cardiovascular phenotype. Last evaluated: 2025-08-03. Review status: criteria provided, single submitter. Criteria: Ambry Variant Classification Scheme 2023. Collection method: clinical testing. Allele origin: germline.
Comment: The p.E965A variant (also known as c.2894A>C), located in coding exon 1 of the ZNF469 gene, results from an A to C substitution at nucleotide position 2894. The glutamic acid at codon 965 is replaced by alanine, an amino acid with dissimilar properties. This amino acid position is conserved. In addition, this alteration is predicted to be tolerated by in silico analysis. Based on the available evidence, the clinical significance of this variant remains unclear.